The following is an entry in ClinVar:

ClinVar aggregate classification (germline): Uncertain significance (1 of 4 stars; one submission).

Conditions:
Emery-Dreifuss muscular dystrophy 4, autosomal dominant (EDMD4). Also called: EMERY-DREIFUSS MUSCULAR DYSTROPHY 4 WITH VARIABLE FEATURES. Identifiers: Orphanet 261, MedGen C2751807, MONDO:0013071, OMIM 612998.
Autosomal recessive ataxia, Beauce type. Also called: SYNE1 Deficiency; Spinocerebellar ataxia, autosomal recessive 8; ATAXIA, RECESSIVE, OF BEAUCE; SYNE1-Related Autosomal Recessive Cerebellar Ataxia. Identifiers: Orphanet 88644, MedGen C1853116, MONDO:0012549, OMIM 610743.

Allele frequency attached by ClinVar (database versions not stated): gnomAD exomes below 0.00001.
gnomAD v4.1: 3 of 1,614,040 alleles (0.00019%); highest among the groups gnomAD compares: South Asian, 0.0011%; no homozygotes.

Submission:

Labcorp Genetics (formerly Invitae), Labcorp
Classification: Uncertain significance for Emery-Dreifuss muscular dystrophy 4, autosomal dominant; Autosomal recessive ataxia, Beauce type. Last evaluated: 2022-03-03. Review status: criteria provided, single submitter. Criteria: Invitae Variant Classification Sherloc (09022015). Collection method: clinical testing. Allele origin: germline.
Comment: This sequence change replaces valine, which is neutral and non-polar, with leucine, which is neutral and non-polar, at codon 179 of the SYNE1 protein (p.Val179Leu). This variant is present in population databases (no rsID available, gnomAD 0.003%). This variant has not been reported in the literature in individuals affected with SYNE1-related conditions. Algorithms developed to predict the effect of missense changes on protein structure and function are either unavailable or do not agree on the potential impact of this missense change (SIFT: "Deleterious"; PolyPhen-2: "Benign"; Align-GVGD: "Class C0"). In summary, the available evidence is currently insufficient to determine the role of this variant in disease. Therefore, it has been classified as a Variant of Uncertain Significance.

NM_182961.4(SYNE1):c.514G>T (p.Val172Leu)

Gene: SYNE1 (spectrin repeat containing nuclear envelope protein 1; minus strand). Cytogenetic location: 6q25.2.
Variant type: single nucleotide variant.
Coding change: c.514G>T on transcript NM_182961.4 (MANE Select); coding-DNA position 514, G replaced by T.
Protein change: p.Val172Leu; replaces valine 172 with leucine.
Molecular consequence: missense variant.
Genome position (GRCh38, 1-based): chr6:152,510,260, C>A on the plus strand (G>T on the coding strand, the complement: SYNE1 is on the minus strand). VCF-style: chr6-152510260-C-A. GRCh37 (hg19) VCF-style: chr6-152831395-C-A.
Other names: c.535G>T, p.Val179Leu (NM_033071.5); short protein forms V172L, V179L.
Identifiers: ClinVar variation 2093789 (VCV002093789.4), dbSNP rs1442261295, ClinGen allele CA366150516.